The following is an entry in ClinVar:

NM_000276.4(OCRL):c.439+3A>G

Gene: OCRL (OCRL inositol polyphosphate-5-phosphatase; plus strand). Cytogenetic location: Xq26.1.
Variant type: single nucleotide variant.
Coding change: c.439+3A>G on transcript NM_000276.4 (MANE Select); 3 bases into the intron after coding-DNA position 439, A replaced by G.
Molecular consequence: intron variant.
Genome position (GRCh38, 1-based): chrX:129,557,953, A>G. VCF-style: chrX-129557953-A-G. GRCh37 (hg19) VCF-style: chrX-128691930-A-G.
Other names: p.?; c.442+3A>G (NM_001318784.2); c.439+3A>G (NM_001587.4).
Identifiers: ClinVar variation 92725 (VCV000092725.52), dbSNP rs61752971, ClinGen allele CA208426.
Genomic context (GRCh38, chrX:129,557,953, plus strand): 5'-GACTCATCTAGCTGGTACCAGAAATTAGACACTAAGGACAAACCTTCTGTTTTTTCAGGT[A>G]CTAAAAAGTTCCTGGTTTCCTTGTTGCTATGGTCATTGCAGAGTCAGTAGATTTTGTCAG-3'

ClinVar aggregate classification (germline): Conflicting classifications of pathogenicity. Review status: criteria provided, conflicting classifications (1 of 4 stars). 19 submissions from 18 submitters: Uncertain significance (2); Benign (7); Likely benign (5). 5 of the submissions do not count toward it. Last evaluated 2026-09-01.

Conditions:
Genetic developmental and epileptic encephalopathy. Identifiers: MedGen CN379639, MONDO:0100062.
Nephrolithiasis/nephrocalcinosis. Identifiers: MedGen CN580796.
OCRL-related disorder. Also called: OCRL-related condition.
Dent disease type 2. Identifiers: Orphanet 1652, Orphanet 93623, MedGen C1845167, MONDO:0010359, OMIM 300555.
Lowe syndrome (OCRL). Also called: Oculocerebrorenal Syndrome; PHOSPHATIDYLINOSITOL 4,5-BISPHOSPHATE 5-PHOSPHATASE DEFICIENCY; LOWE OCULOCEREBRORENAL SYNDROME. Identifiers: Orphanet 534, MedGen C0028860, MONDO:0010645, OMIM 309000.
Epilepsy. Also called: Seizure disorder. Identifiers: MedGen C0014544, MeSH D004827, MONDO:0005027.
Developmental cataract. Also called: Bilateral cataracts; Congenital cataract; Congenital cataracts. Identifiers: MedGen C0009691, HP:0000519.

Allele frequency attached by ClinVar (database versions not stated): 1000 Genomes Project 0.00079; 1000 Genomes Project 30x 0.00104; ESP Exome Variant Server 0.00170; TOPMed 0.00196; gnomAD exomes 0.00240 and 0.00348; ExAC 0.00242; gnomAD 0.00245 and 0.00248.
gnomAD v4.1: 3,793 of 1,136,037 alleles (0.33%); highest among the groups gnomAD compares: Non-Finnish European, 0.4%; 2 homozygotes.

Submissions (19):

CeGaT Center for Human Genetics Tuebingen
Classification: Benign. Last evaluated: 2026-09-01. Review status: criteria provided, single submitter. Criteria: CeGaT Center For Human Genetics Tuebingen Variant Classification Criteria Version 2. Collection method: clinical testing. Allele origin: germline. Affected: yes. Observed: 9 variant alleles.
Comment: OCRL: PP3, BS1, BS2

PreventionGenetics, part of Exact Sciences
Classification: Likely benign for OCRL-related condition. Last evaluated: 2026-06-30. Review status: criteria provided, single submitter. Criteria: ACMG Guidelines, 2015. Collection method: clinical testing. Allele origin: germline.
Comment: This variant is classified as likely benign based on ACMG/AMP sequence variant interpretation guidelines (Richards et al. 2015 PMID: 25741868, with internal and published modifications).

Labcorp Genetics (formerly Invitae), Labcorp
Classification: Benign for Lowe syndrome. Last evaluated: 2026-02-03. Review status: criteria provided, single submitter. Criteria: Invitae Variant Classification Sherloc (09022015). Collection method: clinical testing. Allele origin: germline.

Mayo Clinic Laboratories, Mayo Clinic
Classification: Benign. Last evaluated: 2024-12-06. Review status: criteria provided, single submitter. Criteria: ACMG Guidelines, 2015. Collection method: clinical testing. Allele origin: germline. Observed: 2 variant alleles.
Comment: BS1, BS2

Blueprint Genetics
Classification: Benign. Last evaluated: 2024-11-08. Review status: criteria provided, single submitter. Criteria: ACMG Guidelines, 2015. Collection method: clinical testing. Allele origin: germline.

GeneDx
Classification: Uncertain significance. Last evaluated: 2024-05-16. Review status: criteria provided, single submitter. Criteria: GeneDx Variant Classification Process June 2021. Collection method: clinical testing. Allele origin: germline. Affected: yes.
Comment: Identified in a patient with atypical Dent disease who also harbored a frameshift variant in the CLCN5 gene in published literature (PMID: 23047739); Observed in hemizygous state in a patient with epilepsy in the literature and not observed in hemizygous state in controls (PMID: 31069529); RNA studies demonstrate a damaging effect: producing a fragment 90 bp shorter than expected with sequencing analysis being consistent with skipping of in-frame exon 6 (PMID: 23047739); In silico analysis supports a deleterious effect on splicing; This variant is associated with the following publications: (PMID: 34426522, 34680992, 31069529, 23047739)

Fulgent Genetics
Classification: Likely benign for Dent disease type 2; Lowe syndrome. Last evaluated: 2022-04-16. Review status: criteria provided, single submitter. Criteria: ACMG Guidelines, 2015. Collection method: clinical testing. Allele origin: unknown.

Cambridge Genomics Laboratory, East Genomic Laboratory Hub, NHS Genomic Medicine Service
Classification: Uncertain significance for Genetic developmental and epileptic encephalopathy. Last evaluated: 2020-06-18. Review status: criteria provided, single submitter. Criteria: ACGS Best Practice Guidelines for Variant Classification in Rare Disease 2020. Collection method: clinical testing. Allele origin: germline. Affected: yes. Observed: 1 variant allele.

Cambridge Genomics Laboratory, East Genomic Laboratory Hub, NHS Genomic Medicine Service
Classification: Benign for Epilepsy. Last evaluated: 2019-10-09. Review status: criteria provided, single submitter. Criteria: ACGS Best Practice Guidelines for Variant Classification in Rare Disease 2020. Collection method: clinical testing. Allele origin: germline. Affected: yes. Observed: 1 variant allele.

Mendelics
Classification: Benign for Lowe syndrome. Last evaluated: 2019-05-28. Review status: criteria provided, single submitter. Criteria: Mendelics Assertion Criteria 2017. Collection method: clinical testing. Allele origin: unknown.

Eurofins Ntd Llc (ga)
Classification: Likely benign. Last evaluated: 2018-04-09. Review status: criteria provided, single submitter. Criteria: EGL ClinVar v180209 classification definitions. Collection method: clinical testing. Allele origin: germline. Observed: 3 variant alleles, 3 hemizygotes.

Ambry Genetics
Classification: Likely benign for Nephrolithiasis/nephrocalcinosis. Last evaluated: 2017-09-29. Review status: criteria provided, single submitter. Criteria: Ambry Variant Classification Scheme 2023. Collection method: clinical testing. Allele origin: germline.

Genetic Services Laboratory, University of Chicago
Classification: Benign. Last evaluated: 2016-11-22. Review status: criteria provided, single submitter. Criteria: ACMG Guidelines, 2015. Collection method: clinical testing. Allele origin: germline. Affected: no.

Breakthrough Genomics
Classification: Likely benign. Review status: criteria provided, single submitter. Criteria: ACMG Guidelines, 2015. Collection method: not provided. Allele origin: germline. Inheritance: X-linked inheritance. Affected: yes.

Eye Genetics Research Group, Children's Medical Research Institute
Classification: Uncertain significance for Developmental cataract. Last evaluated: 2015-01-09. Review status: no assertion criteria provided. Collection method: research. Allele origin: unknown. Affected: yes. Not counted in ClinVar's aggregate classification.

Clinical Genetics DNA and cytogenetics Diagnostics Lab, Erasmus MC, Erasmus Medical Center
Classification: Benign. Review status: no assertion criteria provided. Collection method: clinical testing. Allele origin: germline. Affected: yes. Study: VKGL Data-share Consensus. Not counted in ClinVar's aggregate classification.

Diagnostic Laboratory, Department of Genetics, University Medical Center Groningen
Classification: Likely benign. Review status: no assertion criteria provided. Collection method: clinical testing. Allele origin: germline. Affected: yes. Study: VKGL Data-share Consensus. Not counted in ClinVar's aggregate classification.

Genome Diagnostics Laboratory, University Medical Center Utrecht
Classification: Likely benign. Review status: no assertion criteria provided. Collection method: clinical testing. Allele origin: germline. Affected: yes. Study: VKGL Data-share Consensus. Not counted in ClinVar's aggregate classification.

Laboratory of Diagnostic Genome Analysis, Leiden University Medical Center (LUMC)
Classification: Likely benign. Review status: no assertion criteria provided. Collection method: clinical testing. Allele origin: germline. Affected: yes. Study: VKGL Data-share Consensus. Not counted in ClinVar's aggregate classification.

Literature cited by the submitters: PubMed 23047739 (cited by Eurofins Ntd Llc (ga) and Ambry Genetics); PubMed 26694549 (cited by Eye Genetics Research Group, Children's Medical Research Institute).